The following is an entry in ClinVar:

NM_002282.3(KRT83):c.1327G>A (p.Gly443Arg)

Gene: KRT83 (keratin 83; minus strand). Cytogenetic location: 12q13.13.
Variant type: single nucleotide variant.
Coding change: c.1327G>A on transcript NM_002282.3 (MANE Select); coding-DNA position 1327, G replaced by A.
Protein change: p.Gly443Arg; replaces glycine 443 with arginine.
Molecular consequence: missense variant.
Genome position (GRCh38, 1-based): chr12:52,314,786, C>T on the plus strand (G>A on the coding strand, the complement: KRT83 is on the minus strand). VCF-style: chr12-52314786-C-T. GRCh37 (hg19) VCF-style: chr12-52708570-C-T.
Other names: short protein forms G443R.
Identifiers: ClinVar variation 882053 (VCV000882053.8), dbSNP rs144061807, ClinGen allele CA6577283.

ClinVar aggregate classification (germline): Benign/Likely benign. Review status: criteria provided, multiple submitters, no conflicts (2 of 4 stars). 3 submissions from 3 submitters: Benign (2); Likely benign (1). Last evaluated 2025-12-23.

Conditions:
Monilethrix. Also called: Beaded hair. Identifiers: Orphanet 573, MedGen C0546966, MONDO:0008009, HP:0032470.

Allele frequency attached by ClinVar (database versions not stated): gnomAD 0.00091 and 0.00086; 1000 Genomes Project 0.00020; ExAC 0.00103; ESP Exome Variant Server 0.00116; 1000 Genomes Project 30x 0.00016; gnomAD exomes 0.00066 and 0.00177; TOPMed 0.00093.

Submissions (3):

Labcorp Genetics (formerly Invitae), Labcorp
Classification: Likely benign. Last evaluated: 2025-12-23. Review status: criteria provided, single submitter. Criteria: Invitae Variant Classification Sherloc (09022015). Collection method: clinical testing. Allele origin: germline.

Illumina Laboratory Services, Illumina
Classification: Benign for Monilethrix-1. Last evaluated: 2018-01-13. Review status: criteria provided, single submitter. Criteria: ICSL Variant Classification Criteria 13 December 2019. Collection method: clinical testing. Allele origin: germline.
Comment: This variant was observed in the ICSL laboratory as part of a predisposition screen in an ostensibly healthy population. It had not been previously curated by ICSL or reported in the Human Gene Mutation Database (HGMD: prior to June 1st, 2018), and was therefore a candidate for classification through an automated scoring system. Utilizing variant allele frequency, disease prevalence and penetrance estimates, and inheritance mode, an automated score was calculated to assess if this variant is too frequent to cause the disease. Based on the score and internal cut-off values, a variant classified as benign is not then subjected to further curation. The score for this variant resulted in a classification of benign for this disease.

Breakthrough Genomics
Classification: Benign. Review status: criteria provided, single submitter. Criteria: ACMG Guidelines, 2015. Collection method: not provided. Allele origin: germline. Inheritance: Autosomal recessive inheritance. Affected: yes.